The following is an entry in ClinVar:

ClinVar aggregate classification (germline): Uncertain significance (1 of 4 stars; one submission).

Conditions:
TFAP2A-related disorder. Also called: TFAP2A-related condition.

gnomAD v4.1: 4 of 1,614,110 alleles (0.00025%); highest among the groups gnomAD compares: South Asian, 0.0044%; no homozygotes.

Submission:

PreventionGenetics, part of Exact Sciences
Classification: Uncertain significance for TFAP2A-related condition. Last evaluated: 2026-03-31. Review status: criteria provided, single submitter. Criteria: ACMG Guidelines, 2015. Collection method: clinical testing. Allele origin: germline.
Comment: The TFAP2A c.585T>G variant is predicted to result in the amino acid substitution p.Ile195Met. To our knowledge, this variant has not been reported in the literature. This variant is present in 0.0065% of alleles in individuals of South Asian descent in gnomAD. At this time, the clinical significance of this variant is uncertain due to the absence of conclusive functional and genetic evidence.

NM_001372066.1(TFAP2A):c.591T>G (p.Ile197Met)

Genes: TFAP2A (transcription factor AP-2 alpha; minus strand), TFAP2A-AS2 (TFAP2A antisense RNA 2; plus strand), LOC121740638 (BRD4-independent group 4 enhancer GRCh37_chr6:10403277-10404476; plus strand). Cytogenetic location: 6p24.3.
Variant type: single nucleotide variant.
Coding change: c.591T>G on transcript NM_001372066.1 (MANE Select); coding-DNA position 591, T replaced by G.
Protein change: p.Ile197Met; replaces isoleucine 197 with methionine.
Molecular consequence: missense variant. On other transcripts: non-coding transcript variant (1).
Genome position (GRCh38, 1-based): chr6:10,404,687, A>C on the plus strand (T>G on the coding strand, the complement: TFAP2A is on the minus strand). VCF-style: chr6-10404687-A-C. GRCh37 (hg19) VCF-style: chr6-10404920-A-C.
Other names: NM_003220.2:c.585T>G; c.567T>G, p.Ile189Met (NM_001032280.3); c.573T>G, p.Ile191Met (NM_001042425.3); short protein forms I191M, I197M, I189M.
Identifiers: ClinVar variation 4983295 (VCV004983295.1).